The following is an entry in ClinVar:

NM_004006.3(DMD):c.6659T>G (p.Leu2220Ter)

Gene: DMD (dystrophin; minus strand). Cytogenetic location: Xp21.1.
Variant type: single nucleotide variant.
Coding change: c.6659T>G on transcript NM_004006.3 (MANE Select); coding-DNA position 6659, T replaced by G.
Protein change: p.Leu2220Ter; replaces leucine 2220 with a stop codon.
Molecular consequence: nonsense. On other transcripts: 5 prime UTR variant (5).
Genome position (GRCh38, 1-based): chrX:31,932,183, A>C on the plus strand (T>G on the coding strand, the complement: DMD is on the minus strand). VCF-style: chrX-31932183-A-C. GRCh37 (hg19) VCF-style: chrX-31950300-A-C.
Other names: c.6635T>G, p.Leu2212Ter (NM_000109.4); c.6647T>G, p.Leu2216Ter (NM_004009.3); c.6290T>G, p.Leu2097Ter (NM_004010.3); c.2636T>G, p.Leu879Ter (NM_004011.4); c.2627T>G, p.Leu876Ter (NM_004012.4); c.-722T>G (NM_004013.3, NM_004020.4, NM_004021.3 and 2 more transcripts); short protein forms L2097*, L2212*, L2216*, L2220*, L876*, L879*.
Identifiers: ClinVar variation 3368273 (VCV003368273.1), dbSNP rs2150001892.

ClinVar aggregate classification (germline): Pathogenic (1 of 4 stars; one submission).

Submission:

GeneDx
Classification: Pathogenic. Last evaluated: 2024-04-24. Review status: criteria provided, single submitter. Criteria: GeneDx Variant Classification Process June 2021. Collection method: clinical testing. Allele origin: germline. Affected: yes.
Comment: Nonsense variant predicted to result in protein truncation or nonsense mediated decay in a gene for which loss of function is a known mechanism of disease; Not observed at significant frequency in large population cohorts (gnomAD); This variant is associated with the following publications: (PMID: 28859693)